The following is an entry in ClinVar:

ClinVar aggregate classification (germline): Benign. Review status: criteria provided, multiple submitters, no conflicts (2 of 4 stars). 2 submissions from 2 submitters: Benign (2). Last evaluated 2024-07-15.

Submissions (2):

Unidad de Genómica Garrahan, Hospital de Pediatría Garrahan
Classification: Benign. Last evaluated: 2024-07-15. Review status: criteria provided, single submitter. Criteria: ACMG Guidelines, 2015. Collection method: clinical testing. Allele origin: germline. Affected: no. Observed: 26 variant alleles.
Comment: This variant is classified as Benign based on local population frequency. This variant was detected in 28% of patients studied in a panel designed for Epileptic and Developmental Encephalopathy and Progressive Myoclonus Epilepsy. Number of patients: 26. Only high quality variants are reported.

GeneDx
Classification: Benign. Last evaluated: 2018-06-25. Review status: criteria provided, single submitter. Criteria: GeneDx Variant Classification Process June 2021. Collection method: clinical testing. Allele origin: germline. Affected: yes.

NM_005506.4(SCARB2):c.995-53_995-49del

Gene: SCARB2 (scavenger receptor class B member 2; minus strand). Cytogenetic location: 4q21.1.
Variant type: Microsatellite.
Coding change: c.995-53_995-49del on transcript NM_005506.4 (MANE Select); 53 bases into the intron before coding-DNA position 995 through 49 bases into the intron before coding-DNA position 995, 5 bases deleted (CAGCT; older notation c.995-53_995-49delCAGCT).
Molecular consequence: intron variant.
Genome position (GRCh38, 1-based): chr4:76,170,034-76,170,038, AGCTG deleted on the plus strand (CAGCT on the coding strand, the reverse complement: SCARB2 is on the minus strand); deleting any 5 consecutive bases within chr4:76,170,034-76,170,044 gives the same sequence; the c. name uses the placement nearest the transcript's 3' end. VCF-style (leftmost placement, unchanged base first): chr4-76170033-AAGCTG-A. GRCh37 (hg19) VCF-style: chr4-77091186-AAGCTG-A.
Other names: c.566-53_566-49del (NM_001204255.2).
Identifiers: ClinVar variation 1222831 (VCV001222831.5), dbSNP rs57802484, ClinGen allele CA2970203.